The following is an entry in ClinVar:

ClinVar aggregate classification (germline): Likely benign (1 of 4 stars; one submission).

Allele frequency attached by ClinVar (database versions not stated): 1000 Genomes Project 30x 0.00078; 1000 Genomes Project 0.00080; TOPMed 0.00132; ExAC 0.00139; gnomAD 0.00156; ESP Exome Variant Server 0.00192; gnomAD exomes 0.00238.

Submission:

CeGaT Center for Human Genetics Tuebingen
Classification: Likely benign. Last evaluated: 2023-01-01. Review status: criteria provided, single submitter. Criteria: CeGaT Center For Human Genetics Tuebingen Variant Classification Criteria Version 2. Collection method: clinical testing. Allele origin: germline. Affected: yes. Observed: 1 variant allele.
Comment: CACNB1: BP4, BP7

NM_000723.5(CACNB1):c.1116G>A (p.Ala372=)

Gene: CACNB1 (calcium voltage-gated channel auxiliary subunit beta 1; minus strand). Cytogenetic location: 17q12.
Variant type: single nucleotide variant.
Coding change: c.1116G>A on transcript NM_000723.5 (MANE Select); coding-DNA position 1116, G replaced by A.
Protein change: p.Ala372=; no amino-acid change (alanine 372 retained).
Molecular consequence: synonymous variant.
Genome position (GRCh38, 1-based): chr17:39,178,014, C>T on the plus strand (G>A on the coding strand, the complement: CACNB1 is on the minus strand). VCF-style: chr17-39178014-C-T. GRCh37 (hg19) VCF-style: chr17-37334267-C-T.
Other names: c.1251G>A, p.Ala417= (NM_199247.3); c.1116G>A, p.Ala372= (NM_199248.3).
Identifiers: ClinVar variation 2647709 (VCV002647709.24), dbSNP rs72556381, ClinGen allele CA8528289.
Genomic context (GRCh38, chr17:39,178,014, plus strand): 5'-CATTCCCTTCCCTGGGATCTAGGCACTCACAGGGGGGCACTGTGCCAGCTTTTCCGAGGC[C>T]GCTATTTGGACATTGAGGTGTTTGGACTGAGACTTTCCTCGGGACTTGATGAGCCTTTGA-3'
Protein context (NP_000714.3, residues 362-382): SQSKHLNVQI[Ala372=]ASEKLAQCPP